The following is an entry in ClinVar:

ClinVar aggregate classification (germline): Pathogenic. Review status: criteria provided, multiple submitters, no conflicts (2 of 4 stars). 2 submissions from 2 submitters: Pathogenic (2). Last evaluated 2026-03-25.

Conditions:
Dyskeratosis congenita. Identifiers: Orphanet 1775, MedGen C0265965, MONDO:0015780.

Allele frequency attached by ClinVar (database versions not stated): ExAC 0.00001; gnomAD exomes below 0.00001.
gnomAD v4.1: 7 of 1,614,154 alleles (0.00043%); highest among the groups gnomAD compares: Admixed American, 0.0017%; no homozygotes.

Submissions (2):

Dasa
Classification: Pathogenic. Last evaluated: 2026-03-25. Review status: criteria provided, single submitter. Criteria: DASA Assertion Criteria. Collection method: clinical testing. Allele origin: germline.
Comment: NM_025099.6(CTC1):c.322C>T (p.Arg108*) introduces a premature termination codon predicted to result in loss of normal protein function. Loss-of-function is an established mechanism of disease for this gene. This variant has been observed in affected individuals with related phenotype in a genotype context consistent with recessive disease (PMID: 30393977). This variant has been reported in individuals with related phenotype (PMID: 30393977). Segregation evidence has been reported in affected families. The variant is present at low frequency in population datasets. Based on the available data, this variant is classified as pathogenic.

Labcorp Genetics (formerly Invitae), Labcorp
Classification: Pathogenic for Dyskeratosis congenita. Last evaluated: 2023-08-03. Review status: criteria provided, single submitter. Criteria: Invitae Variant Classification Sherloc (09022015). Collection method: clinical testing. Allele origin: germline.
Comment: ClinVar contains an entry for this variant (Variation ID: 842299). This premature translational stop signal has been observed in individual(s) with Coats plus syndrome (PMID: 30393977). This variant is present in population databases (rs372031509, gnomAD 0.003%). This sequence change creates a premature translational stop signal (p.Arg108*) in the CTC1 gene. It is expected to result in an absent or disrupted protein product. Loss-of-function variants in CTC1 are known to be pathogenic (PMID: 22267198, 22387016). Algorithms developed to predict the effect of sequence changes on RNA splicing suggest that this variant may create or strengthen a splice site. For these reasons, this variant has been classified as Pathogenic.

Literature cited by the submitters: PubMed 30393977 (cited by Dasa and Labcorp Genetics (formerly Invitae), Labcorp); PubMed 22267198 (cited by Labcorp Genetics (formerly Invitae), Labcorp); PubMed 22387016 (cited by Labcorp Genetics (formerly Invitae), Labcorp).

NM_025099.6(CTC1):c.322C>T (p.Arg108Ter)

Gene: CTC1 (CST telomere replication complex component 1; minus strand). Cytogenetic location: 17p13.1.
Variant type: single nucleotide variant.
Coding change: c.322C>T on transcript NM_025099.6 (MANE Select); coding-DNA position 322, C replaced by T.
Protein change: p.Arg108Ter; replaces arginine 108 with a stop codon.
Molecular consequence: nonsense. On other transcripts: non-coding transcript variant (1).
Genome position (GRCh38, 1-based): chr17:8,238,505, G>A on the plus strand (C>T on the coding strand, the complement: CTC1 is on the minus strand). VCF-style: chr17-8238505-G-A. GRCh37 (hg19) VCF-style: chr17-8141823-G-A.
Other names: short protein forms R108*.
Identifiers: ClinVar variation 842299 (VCV000842299.10), dbSNP rs372031509, ClinGen allele CA8372652.